The following is an entry in ClinVar:

NM_004947.5(DOCK3):c.5523C>T (p.Asp1841=)

Gene: DOCK3 (dedicator of cytokinesis 3; plus strand). Cytogenetic location: 3p21.2.
Variant type: single nucleotide variant.
Coding change: c.5523C>T on transcript NM_004947.5 (MANE Select); coding-DNA position 5523, C replaced by T.
Protein change: p.Asp1841=; no amino-acid change (aspartic acid 1841 retained).
Molecular consequence: synonymous variant.
Genome position (GRCh38, 1-based): chr3:51,380,147, C>T. VCF-style: chr3-51380147-C-T. GRCh37 (hg19) VCF-style: chr3-51417578-C-T.
Identifiers: ClinVar variation 3045070 (VCV003045070.2), dbSNP rs183651479, ClinGen allele CA2422061.

ClinVar aggregate classification (germline): Likely benign (0 of 4 stars; one submission).

Conditions:
DOCK3-related disorder. Also called: DOCK3-related condition.

Allele frequency attached by ClinVar (database versions not stated): gnomAD exomes 0.00016; ESP Exome Variant Server 0.00025; gnomAD 0.00034; ExAC 0.00040; TOPMed 0.00046; 1000 Genomes Project 0.00080.
gnomAD v4.1: 304 of 1,613,688 alleles (0.019%); highest among the groups gnomAD compares: Admixed American, 0.12%; no homozygotes.

Submission:

PreventionGenetics, part of Exact Sciences
Classification: Likely benign for DOCK3-related condition. Last evaluated: 2019-11-12. Review status: no assertion criteria provided. Collection method: clinical testing. Allele origin: germline.
Comment: This variant is classified as likely benign based on ACMG/AMP sequence variant interpretation guidelines (Richards et al. 2015 PMID: 25741868, with internal and published modifications).